The following is an entry in ClinVar:

NM_020822.3(KCNT1):c.3634C>T (p.Gln1212Ter)

Gene: KCNT1 (potassium sodium-activated channel subfamily T member 1; plus strand). Cytogenetic location: 9q34.3.
Variant type: single nucleotide variant.
Coding change: c.3634C>T on transcript NM_020822.3 (MANE Select); coding-DNA position 3634, C replaced by T.
Protein change: p.Gln1212Ter; replaces glutamine 1212 with a stop codon.
Molecular consequence: nonsense.
Genome position (GRCh38, 1-based): chr9:135,792,087, C>T. VCF-style: chr9-135792087-C-T. GRCh37 (hg19) VCF-style: chr9-138683933-C-T.
Other names: c.3562C>T, p.Gln1188Ter (NM_001272003.2); short protein forms Q1188*, Q1212*.
Identifiers: ClinVar variation 2104284 (VCV002104284.4), dbSNP rs1554782444, ClinGen allele CA375494377.

ClinVar aggregate classification (germline): Uncertain significance (1 of 4 stars; one submission).

Conditions:
Autosomal dominant nocturnal frontal lobe epilepsy 5. Also called: CILIARY DYSKINESIA, PRIMARY, 28, WITHOUT SITUS INVERSUS; CILIARY DYSKINESIA, PRIMARY, 28, WITH SITUS INVERSUS; Epilepsy, nocturnal frontal lobe, 5; KCNT1-Related Epilepsy. Identifiers: Orphanet 98784, MedGen C3554306, MONDO:0014002, OMIM 615005.
Developmental and epileptic encephalopathy, 14 (DEE14). Also called: Early infantile epileptic encephalopathy 14. Identifiers: Orphanet 293181, MedGen C3554195, MONDO:0013989, OMIM 614959.

Submission:

Labcorp Genetics (formerly Invitae), Labcorp
Classification: Uncertain significance for Autosomal dominant nocturnal frontal lobe epilepsy 5; Developmental and epileptic encephalopathy, 14. Last evaluated: 2022-03-04. Review status: criteria provided, single submitter. Criteria: Invitae Variant Classification Sherloc (09022015). Collection method: clinical testing. Allele origin: germline.
Comment: This sequence change creates a premature translational stop signal (p.Gln1212*) in the KCNT1 gene. While this is not anticipated to result in nonsense mediated decay, it is expected to disrupt the last 24 amino acid(s) of the KCNT1 protein. This variant is not present in population databases (gnomAD no frequency). This variant has not been reported in the literature in individuals affected with KCNT1-related conditions. In summary, the available evidence is currently insufficient to determine the role of this variant in disease. Therefore, it has been classified as a Variant of Uncertain Significance.